The following is an entry in ClinVar:

ClinVar aggregate classification (germline): Conflicting classifications of pathogenicity. Review status: criteria provided, conflicting classifications (1 of 4 stars). 2 submissions from 2 submitters: Uncertain significance (1); Likely benign (1). Last evaluated 2023-02-14.

Conditions:
Severe combined immunodeficiency due to IKK2 deficiency. Also called: Immunodeficiency 15; IMMUNODEFICIENCY 15B. Identifiers: Orphanet 397787, MedGen C4747743, MONDO:0014267, OMIM 615592.

Allele frequency attached by ClinVar (database versions not stated): TOPMed below 0.00001.

Submissions (2):

Labcorp Genetics (formerly Invitae), Labcorp
Classification: Likely benign for Severe combined immunodeficiency due to IKK2 deficiency. Last evaluated: 2023-02-14. Review status: criteria provided, single submitter. Criteria: Invitae Variant Classification Sherloc (09022015). Collection method: clinical testing. Allele origin: germline.

Breda Genetics srl
Classification: Uncertain significance for Severe combined immunodeficiency due to IKK2 deficiency. Last evaluated: 2021-01-12. Review status: criteria provided, single submitter. Criteria: ACMG Guidelines, 2015. Collection method: clinical testing. Allele origin: germline. Inheritance: Autosomal recessive inheritance. Affected: yes. Observed: 1 variant allele, 1 heterozygote.
Comment: Based on allele frequency, in-silico prediction scores and a certain overlap with the clinical phenotype, we interpreted this variant at least as of uncertain significance. The lack of one or more of the following features has discouraged further investigations: lack of a possible second hit in autosomal recessive conditions, presence of healthy controls in databases for autosomal dominant conditions, presence of unmatching cardinal clinical features in the patient or in the known gene-disease association, and/or variant type outside the known gene mutational spectrum.

NM_001556.3(IKBKB):c.987G>A (p.Glu329=)

Gene: IKBKB (inhibitor of nuclear factor kappa B kinase subunit beta; plus strand). Cytogenetic location: 8p11.21.
Variant type: single nucleotide variant.
Coding change: c.987G>A on transcript NM_001556.3 (MANE Select); coding-DNA position 987, G replaced by A.
Protein change: p.Glu329=; no amino-acid change (glutamic acid 329 retained).
Molecular consequence: synonymous variant. On other transcripts: non-coding transcript variant (3).
Genome position (GRCh38, 1-based): chr8:42,316,766, G>A. VCF-style: chr8-42316766-G-A. GRCh37 (hg19) VCF-style: chr8-42174284-G-A.
Other names: c.795G>A, p.Glu265= (NM_001190720.3); c.810G>A, p.Glu270= (NM_001242778.2).
Identifiers: ClinVar variation 1299294 (VCV001299294.4), dbSNP rs1402092076, ClinGen allele CA460553750.